The following is an entry in ClinVar:

NM_000051.4(ATM):c.7278C>T (p.Leu2426=)

Genes: ATM (ATM serine/threonine kinase; plus strand), C11orf65 (chromosome 11 open reading frame 65; minus strand). Cytogenetic location: 11q22.3.
Variant type: single nucleotide variant.
Coding change: c.7278C>T on transcript NM_000051.4 (MANE Select); coding-DNA position 7278, C replaced by T.
Protein change: p.Leu2426=; no amino-acid change (leucine 2426 retained).
Molecular consequence: synonymous variant. On other transcripts: intron variant (2).
Genome position (GRCh38, 1-based): chr11:108,329,209, C>T. VCF-style: chr11-108329209-C-T. GRCh37 (hg19) VCF-style: chr11-108199936-C-T.
Other names: c.7278C>T, p.Leu2426= (NM_001351834.2); c.641-20138G>A (NM_001330368.2); c.*38+6011G>A (NM_001351110.2).
Identifiers: ClinVar variation 1107680 (VCV001107680.12), dbSNP rs2136422492, ClinGen allele CA476676768.

ClinVar aggregate classification (germline): Benign/Likely benign. Review status: criteria provided, multiple submitters, no conflicts (2 of 4 stars). 3 submissions from 3 submitters: Benign (1); Likely benign (2). Last evaluated 2025-05-19.

Conditions:
Familial cancer of breast. Also called: Hereditary breast cancer; hereditary breast carcinoma; BREAST CANCER, FAMILIAL. Identifiers: Orphanet 227535, MedGen C0346153, MONDO:0016419, OMIM 114480. Disease mechanism: loss of function.
Hereditary cancer-predisposing syndrome. Also called: Neoplastic Syndromes, Hereditary; Tumor predisposition; Hereditary Cancer Syndrome; Hereditary neoplastic syndrome. Identifiers: Orphanet 140162, MedGen C0027672, MeSH D009386, MONDO:0015356.
Ataxia-telangiectasia syndrome (AT). Also called: Ataxia telangiectasia (A-T); ATAXIA-TELANGIECTASIA, COMPLEMENTATION GROUP A; ATAXIA-TELANGIECTASIA, FRESNO VARIANT; Ataxia-telangiectasia; Ataxia-telangiectasia, complementation group E; LOUIS-BAR SYNDROME. Identifiers: Orphanet 100, MedGen C0004135, MONDO:0008840, OMIM 208900.

Allele frequency attached by ClinVar (database versions not stated): gnomAD exomes 0.00001.
gnomAD v4.1: 9 of 1,613,776 alleles (0.00056%); highest among the groups gnomAD compares: Non-Finnish European, 0.00076%; no homozygotes.

Submissions (3):

Labcorp Genetics (formerly Invitae), Labcorp
Classification: Likely benign for Ataxia-telangiectasia syndrome. Last evaluated: 2025-05-19. Review status: criteria provided, single submitter. Criteria: Invitae Variant Classification Sherloc (09022015). Collection method: clinical testing. Allele origin: germline.

Myriad Genetics, Inc.
Classification: Benign for Familial cancer of breast. Last evaluated: 2024-06-13. Review status: criteria provided, single submitter. Criteria: Myriad Autosomal Dominant, Autosomal Recessive and X-Linked Classification Criteria (2023). Collection method: clinical testing. Allele origin: unknown.
Comment: This variant is considered benign. This variant is a silent/synonymous amino acid change and it is not expected to impact splicing.

Ambry Genetics
Classification: Likely benign for Hereditary cancer-predisposing syndrome. Last evaluated: 2021-06-15. Review status: criteria provided, single submitter. Criteria: Ambry Variant Classification Scheme 2023. Collection method: clinical testing. Allele origin: germline.